The following is an entry in ClinVar:

NM_001267550.2(TTN):c.65413G>T (p.Val21805Leu)

Genes: TTN (titin; minus strand), TTN-AS1 (TTN antisense RNA 1; plus strand). Cytogenetic location: 2q31.2.
Variant type: single nucleotide variant.
Coding change: c.65413G>T on transcript NM_001267550.2 (MANE Select); coding-DNA position 65413, G replaced by T.
Protein change: p.Val21805Leu; replaces valine 21805 with leucine.
Molecular consequence: missense variant. On other transcripts: non-coding transcript variant (1).
Genome position (GRCh38, 1-based): chr2:178,583,769, C>A on the plus strand (G>T on the coding strand, the complement: TTN is on the minus strand). VCF-style: chr2-178583769-C-A. GRCh37 (hg19) VCF-style: chr2-179448496-C-A.
Other names: c.60490G>T, p.Val20164Leu (NM_001256850.1); c.38218G>T, p.Val12740Leu (NM_003319.4); c.57709G>T, p.Val19237Leu (NM_133378.4); c.38593G>T, p.Val12865Leu (NM_133432.3); c.38794G>T, p.Val12932Leu (NM_133437.4); short protein forms V12740L, V12865L, V12932L, V19237L, V20164L, V21805L.
Identifiers: ClinVar variation 2651618 (VCV002651618.24), dbSNP rs1397460981, ClinGen allele CA349434232.

ClinVar aggregate classification (germline): Uncertain significance (1 of 4 stars; one submission).

Submission:

CeGaT Center for Human Genetics Tuebingen
Classification: Uncertain significance. Last evaluated: 2023-09-01. Review status: criteria provided, single submitter. Criteria: CeGaT Center For Human Genetics Tuebingen Variant Classification Criteria Version 2. Collection method: clinical testing. Allele origin: germline. Affected: yes. Observed: 1 variant allele.
Comment: TTN: PM2, BP4